The following is an entry in ClinVar:

NM_000257.4(MYH7):c.2882T>G (p.Leu961Arg)

Gene: MYH7 (myosin heavy chain 7; minus strand). Cytogenetic location: 14q11.2.
Variant type: single nucleotide variant.
Coding change: c.2882T>G on transcript NM_000257.4 (MANE Select); coding-DNA position 2882, T replaced by G.
Protein change: p.Leu961Arg; replaces leucine 961 with arginine.
Molecular consequence: missense variant.
Genome position (GRCh38, 1-based): chr14:23,423,947, A>C on the plus strand (T>G on the coding strand, the complement: MYH7 is on the minus strand). VCF-style: chr14-23423947-A-C. GRCh37 (hg19) VCF-style: chr14-23893156-A-C.
Other names: c.2882T>G (LRG_384t1); short protein forms L961R.
Identifiers: ClinVar variation 264501 (VCV000264501.11), dbSNP rs727504374, ClinGen allele CA10587769.

ClinVar aggregate classification (germline): Conflicting classifications of pathogenicity. Review status: criteria provided, conflicting classifications (1 of 4 stars). 4 submissions from 4 submitters: Pathogenic (1); Uncertain significance (3). Last evaluated 2025-04-15.

Conditions:
Cardiovascular phenotype. Identifiers: MedGen CN230736.
Hypertrophic cardiomyopathy 1 (CMH1). Also called: Familial hypertrophic cardiomyopathy 1; MYH7-Related Familial Hypertrophic Cardiomyopathy. Identifiers: MedGen C3495498, MONDO:0008647, OMIM 192600.
Hypertrophic cardiomyopathy. Also called: HYPERTROPHIC MYOCARDIOPATHY. Identifiers: Orphanet 217569, MedGen C0007194, MeSH D002312, MONDO:0005045, HP:0001639.

Allele frequency attached by ClinVar (database versions not stated): gnomAD exomes below 0.00001.
gnomAD v4.1: 1 of 1,614,134 alleles (0.000062%); highest among the groups gnomAD compares: Non-Finnish European, 0.000085%; no homozygotes.

Submissions (4):

Molecular Genetics Laboratory, Motol Hospital
Classification: Pathogenic for Hypertrophic cardiomyopathy 1. Last evaluated: 2025-04-15. Review status: criteria provided, single submitter. Criteria: ACMG Guidelines, 2015. Collection method: clinical testing. Allele origin: germline. Affected: yes. Observed: 10 variant alleles.
Comment: Detected in the mutational hot spot in exon 23 of the MYH7 gene (PM1). Rare variant with low frequency in gnomAD population databases (1x in non-Finnish European population) (PM2). In silico prediction tools support deleterious effect on the gene (PP3). Reputable source reports this variant as pathogenic (MYH7_000814, Leiden Open Variation Database v.3.0) (PP5). Strongly enriched in the submitter's cohort of patients with hypertrophic cardiomyopathy (ten unrelated individuals with HCM) (PS4). Cosegregation with disease in multiple affected family members with HCM (PP1). Therefore, this variant is classified as pathogenic.

Labcorp Genetics (formerly Invitae), Labcorp
Classification: Uncertain significance for Hypertrophic cardiomyopathy. Last evaluated: 2024-11-21. Review status: criteria provided, single submitter. Criteria: Invitae Variant Classification Sherloc (09022015). Collection method: clinical testing. Allele origin: germline.
Comment: This sequence change replaces leucine, which is neutral and non-polar, with arginine, which is basic and polar, at codon 961 of the MYH7 protein (p.Leu961Arg). This variant is not present in population databases (gnomAD no frequency). This missense change has been observed in individual(s) with hypertrophic cardiomyopathy (PMID: 22455086). ClinVar contains an entry for this variant (Variation ID: 264501). Invitae Evidence Modeling of protein sequence and biophysical properties (such as structural, functional, and spatial information, amino acid conservation, physicochemical variation, residue mobility, and thermodynamic stability) indicates that this missense variant is expected to disrupt MYH7 protein function with a positive predictive value of 95%. In summary, the available evidence is currently insufficient to determine the role of this variant in disease. Therefore, it has been classified as a Variant of Uncertain Significance.

Ambry Genetics
Classification: Uncertain significance for Cardiovascular phenotype. Last evaluated: 2018-02-20. Review status: criteria provided, single submitter. Criteria: Ambry Variant Classification Scheme 2023. Collection method: clinical testing. Allele origin: germline.
Comment: The p.L961R variant (also known as c.2882T>G), located in coding exon 21 of the MYH7 gene, results from a T to G substitution at nucleotide position 2882. The leucine at codon 961 is replaced by arginine, an amino acid with dissimilar properties. This variant has been reported in one individual reported to have hypertrophic cardiomyopathy (HCM) (Curila K, et al. Acta Cardiol 2012;67(1):23-9). Other alterations affecting the same amino acid, p.L961P (c.2882T>C) and p.L961V (c.2881C>G), have been reported in association with HCM (Bainbridge MN et al. Circ Cardiovasc Genet, 2015 Aug;8:544-52; Walsh R et al. Genet. Med. 2017;19:192-203).This amino acid position is highly conserved in available vertebrate species. In addition, this alteration is predicted to be deleterious by in silico analysis. Since supporting evidence is limited at this time, the clinical significance of this variant remains unclear.

GeneDx
Classification: Uncertain significance. Last evaluated: 2017-06-09. Review status: criteria provided, single submitter. Criteria: GeneDx Variant Classification (06012015). Collection method: clinical testing. Allele origin: germline. Affected: yes.
Comment: A variant of uncertain significance has been identified in the MYH7 gene. The L961R variant has been previously reported in at least one individual diagnosed with HCM (Curila et al., 2012), although no segregation data are available. The L961R variant is not observed in large population cohorts (Lek et al., 2016; 1000 Genomes Consortium et al., 2015; Exome Variant Server). The L961R variant is a non-conservative amino acid substitution, which is likely to impact secondary protein structure as these residues differ in polarity, charge, size and/or other properties. Furthermore, this substitution occurs at a position that is conserved across species and in silico analysis predicts this variant is probably damaging to the protein structure/function. Nevertheless, this variant has not been observed in a significant number of affected individuals, and it lacks both segregation and functional studies which would further clarify its pathogenicity. Additionally, while missense variants at the same residue (L961P, L961V) have been reported in the Human Gene Mutation Database in association with cardiomyopathy (Bainbridge et al., 2015; Walsh et al., 2017), the clinical significance of these variants also remains to be definitively determined. Lastly, L961R is also classified as a variant of uncertain significance in ClinVar by a different clinical laboratory (ClinVar SCV000320482.1; Landrum et al., 2016).

Literature cited by the submitters: PubMed 22455086 (cited by 3 submitters).